The following is an entry in ClinVar:

ClinVar aggregate classification (germline): Pathogenic. Review status: criteria provided, multiple submitters, no conflicts (2 of 4 stars). 9 submissions from 9 submitters: Pathogenic (9). Last evaluated 2026-08-01.

Conditions:
CLCNKB-related disorders.
Bartter disease type 3. Also called: Bartter syndrome type 3. Identifiers: Orphanet 112, Orphanet 93605, MedGen C1846343, MONDO:0011822, OMIM 607364.
Bartter disease type 4B. Also called: BARTTER SYNDROME, TYPE 4B; BARTTER SYNDROME, TYPE 4B, NEONATAL, WITH SENSORINEURAL DEAFNESS; Bartter syndrome, type 4b, digenic. Identifiers: Orphanet 112, MedGen C4310805, MONDO:0000909, OMIM 613090.

Allele frequency attached by ClinVar (database versions not stated): TOPMed 0.00004; gnomAD 0.00006; ExAC 0.00007; ESP Exome Variant Server 0.00008; gnomAD exomes 0.00010.
gnomAD v4.1: 51 of 1,612,956 alleles (0.0032%); highest among the groups gnomAD compares: Admixed American, 0.04%; no homozygotes.

Submissions (9):

CeGaT Center for Human Genetics Tuebingen
Classification: Pathogenic. Last evaluated: 2026-08-01. Review status: criteria provided, single submitter. Criteria: CeGaT Center For Human Genetics Tuebingen Variant Classification Criteria Version 2. Collection method: clinical testing. Allele origin: germline. Affected: yes. Observed: 1 variant allele.
Comment: CLCNKB: PVS1, PM3:Strong, PM2

Labcorp Genetics (formerly Invitae), Labcorp
Classification: Pathogenic. Last evaluated: 2025-05-28. Review status: criteria provided, single submitter. Criteria: Invitae Variant Classification Sherloc (09022015). Collection method: clinical testing. Allele origin: germline.
Comment: This sequence change creates a premature translational stop signal (p.Arg595*) in the CLCNKB gene. It is expected to result in an absent or disrupted protein product. Loss-of-function variants in CLCNKB are known to be pathogenic (PMID: 24830959, 26920127, 28381550, 29254190). This variant is present in population databases (rs370221310, gnomAD 0.05%). This premature translational stop signal has been observed in individuals with classic Bartter syndrome and Gitelman syndrome (PMID: 28381550). ClinVar contains an entry for this variant (Variation ID: 447098). For these reasons, this variant has been classified as Pathogenic.

Mayo Clinic Laboratories, Mayo Clinic
Classification: Pathogenic. Last evaluated: 2025-01-03. Review status: criteria provided, single submitter. Criteria: ACMG Guidelines, 2015. Collection method: clinical testing. Allele origin: germline. Observed: 1 variant allele.
Comment: PM3_strong, PS3_moderate, PVS1

Blueprint Genetics
Classification: Pathogenic for CLCNKB-related disorders. Last evaluated: 2024-07-11. Review status: criteria provided, single submitter. Criteria: ACMG Guidelines, 2015. Collection method: clinical testing. Allele origin: germline. Affected: yes. Observed: 5 variant alleles.

Fulgent Genetics
Classification: Pathogenic for Bartter disease type 3; Bartter disease type 4B. Last evaluated: 2024-05-24. Review status: criteria provided, single submitter. Criteria: ACMG Guidelines, 2015. Collection method: clinical testing. Allele origin: germline.

GeneDx
Classification: Pathogenic. Last evaluated: 2024-02-27. Review status: criteria provided, single submitter. Criteria: GeneDx Variant Classification Process June 2021. Collection method: clinical testing. Allele origin: germline. Affected: yes.
Comment: Observed multiple times with another CLCNKB variant in unrelated patients with Bartter syndrome in published literature, but it is not known whether the variants occurred on the same (in cis) or on different (in trans) chromosomes in some cases (PMID: 17185149, 28381550); Nonsense variant predicted to result in protein truncation or nonsense mediated decay in a gene for which loss-of-function is a known mechanism of disease; This variant is associated with the following publications: (PMID: 25525159, 28288174, 28381550, 35628451, 17185149, 37516009)

Mendelics
Classification: Pathogenic for Bartter disease type 3. Last evaluated: 2019-05-28. Review status: criteria provided, single submitter. Criteria: Mendelics Assertion Criteria 2017. Collection method: clinical testing. Allele origin: unknown.

Athena Diagnostics
Classification: Pathogenic. Last evaluated: 2016-09-14. Review status: criteria provided, single submitter. Criteria: Athena Diagnostics Criteria. Collection method: clinical testing. Allele origin: germline.

Juno Genomics, Hangzhou Juno Genomics, Inc
Classification: Pathogenic for Bartter disease type 3; Bartter disease type 4B. Review status: criteria provided, single submitter. Criteria: ACMG Guidelines, 2015. Collection method: clinical testing. Allele origin: germline.
Comment: Absent from controls (or at extremely low frequency if recessive) in Genome Aggregation Database.;Null variant in a gene where loss of function (LOF) is a known mechanism of disease.;For recessive disorders, detected in trans with a pathogenic variant.

Literature cited by the submitters: PubMed 24830959 (cited by Labcorp Genetics (formerly Invitae), Labcorp); PubMed 26920127 (cited by Labcorp Genetics (formerly Invitae), Labcorp); PubMed 28381550 (cited by Labcorp Genetics (formerly Invitae), Labcorp and Mayo Clinic Laboratories, Mayo Clinic); PubMed 29254190 (cited by Labcorp Genetics (formerly Invitae), Labcorp); PubMed 17185149 (cited by Mayo Clinic Laboratories, Mayo Clinic and Athena Diagnostics); PubMed 28288174 (cited by Mayo Clinic Laboratories, Mayo Clinic); PubMed 35628451 (cited by Mayo Clinic Laboratories, Mayo Clinic); PubMed 37516009 (cited by Mayo Clinic Laboratories, Mayo Clinic); PubMed 25525159 (cited by Athena Diagnostics); PubMed 25810436 (cited by Athena Diagnostics).

NM_000085.5(CLCNKB):c.1783C>T (p.Arg595Ter)

Genes: CLCNKB (chloride voltage-gated channel Kb; plus strand), LOC106501713 (CLCNKB recombination region; plus strand). Cytogenetic location: 1p36.13.
Variant type: single nucleotide variant.
Coding change: c.1783C>T on transcript NM_000085.5 (MANE Select); coding-DNA position 1783, C replaced by T.
Protein change: p.Arg595Ter; replaces arginine 595 with a stop codon.
Molecular consequence: nonsense.
Genome position (GRCh38, 1-based): chr1:16,055,461, C>T. VCF-style: chr1-16055461-C-T. GRCh37 (hg19) VCF-style: chr1-16381956-C-T.
Other names: p.Arg595*; c.1276C>T, p.Arg426Ter (NM_001165945.2); short protein forms R595*, R426*.
Identifiers: ClinVar variation 447098 (VCV000447098.17), dbSNP rs370221310, ClinGen allele CA624027.